The following is an entry in ClinVar:

NM_000161.3(GCH1):c.571G>A (p.Val191Ile)

Gene: GCH1 (GTP cyclohydrolase 1; minus strand). Cytogenetic location: 14q22.2.
Variant type: single nucleotide variant.
Coding change: c.571G>A on transcript NM_000161.3 (MANE Select); coding-DNA position 571, G replaced by A.
Protein change: p.Val191Ile; replaces valine 191 with isoleucine.
Molecular consequence: missense variant.
Genome position (GRCh38, 1-based): chr14:54,845,823, C>T on the plus strand (G>A on the coding strand, the complement: GCH1 is on the minus strand). VCF-style: chr14-54845823-C-T. GRCh37 (hg19) VCF-style: chr14-55312541-C-T.
Other names: c.571G>A, p.Val191Ile (NM_001024024.2, NM_001024070.2, NM_001024071.2); short protein forms V191I.
Identifiers: ClinVar variation 1333858 (VCV001333858.7), dbSNP rs762208304, ClinGen allele CA7193535.

ClinVar aggregate classification (germline): Uncertain significance. Review status: criteria provided, multiple submitters, no conflicts (2 of 4 stars). 4 submissions from 4 submitters: Uncertain significance (4). Last evaluated 2025-07-15.

Conditions:
Dystonia 5 (DRD). Also called: GTP Cyclohydrolase 1-Deficient Dopa-Responsive Dystonia; Dystonia, DOPA-responsive, with or without hyperphenylalaninemia; DYT-GCH1; DYSTONIA, PROGRESSIVE, WITH DIURNAL VARIATION; DYSTONIA-PARKINSONISM WITH DIURNAL FLUCTUATION. Identifiers: Orphanet 98808, MedGen C1851920, MONDO:0007495, OMIM 128230.
GTP cyclohydrolase I deficiency. Identifiers: MedGen C0268467, MONDO:0100184.

Allele frequency attached by ClinVar (database versions not stated): gnomAD 0.00001; gnomAD exomes 0.00001; ExAC 0.00002; TOPMed 0.00003.

Submissions (4):

Women's Health and Genetics/Laboratory Corporation of America, LabCorp
Classification: Uncertain significance. Last evaluated: 2025-07-15. Review status: criteria provided, single submitter. Criteria: LabCorp Variant Classification Summary - May 2015. Collection method: clinical testing. Allele origin: germline.
Comment: Variant summary: GCH1 c.571G>A (p.Val191Ile) results in a conservative amino acid change in the encoded protein sequence. Algorithms developed to predict the effect of missense changes on protein structure and function are either unavailable or do not agree on the potential impact of this missense change. The variant allele was found at a frequency of 1.2e-05 in 251238 control chromosomes. The available data on variant occurrences in the general population are insufficient to allow any conclusion about variant significance. c.571G>A has been observed in individual(s) affected with Dopa-Responsive Dystonia and unaffected carrier(s) (Bandmann_1998, Novelli_2024, Dobricic_2017). These report(s) do not provide unequivocal conclusions about association of the variant with GTP Cyclohydrolase I Deficiency. To our knowledge, no experimental evidence demonstrating an impact on protein function has been reported. The following publications have been ascertained in the context of this evaluation (PMID: 9778264, 28958832, 39001623). ClinVar contains an entry for this variant (Variation ID: 1333858). Based on the evidence outlined above, the variant was classified as uncertain significance.

Labcorp Genetics (formerly Invitae), Labcorp
Classification: Uncertain significance for GTP cyclohydrolase I deficiency; Dystonia 5. Last evaluated: 2025-01-01. Review status: criteria provided, single submitter. Criteria: Invitae Variant Classification Sherloc (09022015). Collection method: clinical testing. Allele origin: germline.
Comment: This sequence change replaces valine, which is neutral and non-polar, with isoleucine, which is neutral and non-polar, at codon 191 of the GCH1 protein (p.Val191Ile). This variant is present in population databases (rs762208304, gnomAD 0.002%). This missense change has been observed in individual(s) with dopa-responsive dystonia (PMID: 9778264). ClinVar contains an entry for this variant (Variation ID: 1333858). Invitae Evidence Modeling of protein sequence and biophysical properties (such as structural, functional, and spatial information, amino acid conservation, physicochemical variation, residue mobility, and thermodynamic stability) indicates that this missense variant is not expected to disrupt GCH1 protein function with a negative predictive value of 80%. Algorithms developed to predict the effect of sequence changes on RNA splicing suggest that this variant may disrupt the consensus splice site. In summary, the available evidence is currently insufficient to determine the role of this variant in disease. Therefore, it has been classified as a Variant of Uncertain Significance.

Blueprint Genetics
Classification: Uncertain significance. Last evaluated: 2024-02-16. Review status: criteria provided, single submitter. Criteria: ACMG Guidelines, 2015. Collection method: clinical testing. Allele origin: germline.

CENTOGENE GmbH and LLC - Guiding Precision Medicine
Classification: Uncertain significance for Dystonia 5. Last evaluated: 2020-04-16. Review status: criteria provided, single submitter. Criteria: ACMG Guidelines, 2015. Collection method: clinical testing. Allele origin: germline. Affected: yes.

Literature cited by the submitters: PubMed 39001623 (cited by Women's Health and Genetics/Laboratory Corporation of America, LabCorp); PubMed 28958832 (cited by Women's Health and Genetics/Laboratory Corporation of America, LabCorp); PubMed 9778264 (cited by Women's Health and Genetics/Laboratory Corporation of America, LabCorp and Labcorp Genetics (formerly Invitae), Labcorp).